The following is an entry in ClinVar:

ClinVar aggregate classification (germline): Likely benign (1 of 4 stars; one submission).

Submission:

CeGaT Center for Human Genetics Tuebingen
Classification: Likely benign. Last evaluated: 2022-05-01. Review status: criteria provided, single submitter. Criteria: CeGaT Center For Human Genetics Tuebingen Variant Classification Criteria Version 2. Collection method: clinical testing. Allele origin: germline. Affected: yes. Observed: 1 variant allele.
Comment: TAOK2: BP4, BP7

NM_016151.4(TAOK2):c.600G>A (p.Gly200=)

Gene: TAOK2 (TAO kinase 2; plus strand). Cytogenetic location: 16p11.2.
Variant type: single nucleotide variant.
Coding change: c.600G>A on transcript NM_016151.4 (MANE Select); coding-DNA position 600, G replaced by A.
Protein change: p.Gly200=; no amino-acid change (glycine 200 retained).
Molecular consequence: synonymous variant.
Genome position (GRCh38, 1-based): chr16:29,979,453, G>A. VCF-style: chr16-29979453-G-A. GRCh37 (hg19) VCF-style: chr16-29990774-G-A.
Other names: c.600G>A, p.Gly200= (NM_001252043.2, NM_004783.4).
Identifiers: ClinVar variation 2646376 (VCV002646376.24), dbSNP rs1276268414, ClinGen allele CA494612278.
Genomic context (GRCh38, chr16:29,979,453, plus strand): 5'-TCTCTCTCCTGACCATTCTCCTAGGATGGCACCCGAGGTGATCCTGGCCATGGATGAGGG[G>A]CAGTACGATGGCAAAGTGGACGTCTGGTCCTTGGGGATAACCTGCATCGAGCTGGGTAAG-3'
Protein context (NP_057235.2, residues 190-210): APEVILAMDE[Gly200=]QYDGKVDVWS